The following is an entry in ClinVar:

NM_001399.5(EDA):c.754C>T (p.His252Tyr)

Gene: EDA (ectodysplasin A; plus strand). Cytogenetic location: Xq13.1.
Variant type: single nucleotide variant.
Coding change: c.754C>T on transcript NM_001399.5 (MANE Select); coding-DNA position 754, C replaced by T.
Protein change: p.His252Tyr; replaces histidine 252 with tyrosine.
Molecular consequence: missense variant.
Genome position (GRCh38, 1-based): chrX:70,030,481, C>T. VCF-style: chrX-70030481-C-T. GRCh37 (hg19) VCF-style: chrX-69250331-C-T.
Other names: c.754C>T, p.His252Tyr (NM_001005609.2, NM_001005612.3); short protein forms H252Y.
Identifiers: ClinVar variation 3724257 (VCV003724257.2).

ClinVar aggregate classification (germline): Pathogenic/Likely pathogenic. Review status: criteria provided, multiple submitters, no conflicts (2 of 4 stars). 2 submissions from 2 submitters: Pathogenic (1); Likely pathogenic (1). Last evaluated 2025-08-12.

Conditions:
Hypohidrotic X-linked ectodermal dysplasia (XHED). Also called: ECTODERMAL DYSPLASIA 1, HYPOHIDROTIC/HAIR/TOOTH TYPE, X-LINKED; Ectodermal Dysplasia 1, Anhidrotic; Anhidrotic ectodermal dysplasia X-linked; Christ Siemens Touraine syndrome; ECTODERMAL DYSPLASIA, HYPOHIDROTIC, 1; CST SYNDROME. Identifiers: Orphanet 181, Orphanet 238468, MedGen C0162359, MONDO:0010585, OMIM 305100.

Submissions (2):

Labcorp Genetics (formerly Invitae), Labcorp
Classification: Pathogenic for Hypohidrotic X-linked ectodermal dysplasia. Last evaluated: 2025-08-12. Review status: criteria provided, single submitter. Criteria: Invitae Variant Classification Sherloc (09022015). Collection method: clinical testing. Allele origin: germline.
Comment: This sequence change replaces histidine, which is basic and polar, with tyrosine, which is neutral and polar, at codon 252 of the EDA protein (p.His252Tyr). This variant is not present in population databases (gnomAD no frequency). This missense change has been observed in individual(s) with ectodermal dysplasia (PMID: 11378824; internal data). ClinVar contains an entry for this variant (Variation ID: 3724257). Invitae Evidence Modeling of protein sequence and biophysical properties (such as structural, functional, and spatial information, amino acid conservation, physicochemical variation, residue mobility, and thermodynamic stability) has been performed for this missense variant. However, the output from this modeling did not meet the statistical confidence thresholds required to predict the impact of this variant on EDA protein function. This variant disrupts the p.His252 amino acid residue in EDA. Other variant(s) that disrupt this residue have been observed in individuals with EDA-related conditions (PMID: 20236127), which suggests that this may be a clinically significant amino acid residue. For these reasons, this variant has been classified as Pathogenic.

Variantyx, Inc.
Classification: Likely pathogenic for Hypohidrotic X-linked ectodermal dysplasia. Last evaluated: 2025-07-30. Review status: criteria provided, single submitter. Criteria: Variantyx Assertion Criteria 2022. Collection method: clinical testing. Allele origin: maternal. Inheritance: X-linked recessive inheritance.
Comment: This is a nonsynonymous variant in the EDA gene (OMIM: 300451). Pathogenic variants in this gene have been associated with X-linked hypohidrotic ectodermal dysplasia 1. This variant lies within a known hotspot for pathogenic variants, and a well-established critical functional domain of the EDA protein (PMID: 11378824, 25203534, 10534613) (PM1_Strong), and multiple computational algorithms predict a deleterious effect (REVEL score: 0.878) (PP3). Alternate amino acid changes at this position (p.His252Leu, p.His252Gln, and p.His252Asn) have been reported in affected individuals; however, their pathogenicity has not been established (PMID: 9683615, 20236127). This variant is absent from control populations (PM2). Based on the current evidence, this variant is classified as likely pathogenic for X-linked hypohidrotic ectodermal dysplasia 1.

Literature cited by the submitters: PubMed 11378824 (cited by Labcorp Genetics (formerly Invitae), Labcorp and Variantyx, Inc.); PubMed 20236127 (cited by Labcorp Genetics (formerly Invitae), Labcorp and Variantyx, Inc.); PubMed 9683615 (cited by Variantyx, Inc.); PubMed 25203534 (cited by Variantyx, Inc.); PubMed 10534613 (cited by Variantyx, Inc.).